The following is an entry in ClinVar:

NM_004329.3(BMPR1A):c.1484C>T (p.Ala495Val)

Gene: BMPR1A (bone morphogenetic protein receptor type 1A; plus strand). Cytogenetic location: 10q23.2.
Variant type: single nucleotide variant.
Coding change: c.1484C>T on transcript NM_004329.3 (MANE Select); coding-DNA position 1484, C replaced by T.
Protein change: p.Ala495Val; replaces alanine 495 with valine.
Molecular consequence: missense variant.
Genome position (GRCh38, 1-based): chr10:86,923,604, C>T. VCF-style: chr10-86923604-C-T. GRCh37 (hg19) VCF-style: chr10-88683361-C-T.
Other names: short protein forms A495V.
Identifiers: ClinVar variation 233680 (VCV000233680.8), dbSNP rs876660569, ClinGen allele CA10578900.
Genomic context (GRCh38, chr10:86,923,604, plus strand): 5'-AATGCCACCAAATATATTCTCTGCTCACTGAACATCTCTTTACTTTTCAGTGTCTACGAG[C>T]AGTTTTGAAGCTAATGTCAGAATGCTGGGCCCACAATCCAGCCTCCAGACTCACAGCATT-3'
Protein context (NP_004320.2, residues 485-505): NRWNSDECLR[Ala495Val]VLKLMSECWA

ClinVar aggregate classification (germline): Uncertain significance. Review status: criteria provided, multiple submitters, no conflicts (2 of 4 stars). 2 submissions from 2 submitters: Uncertain significance (2). Last evaluated 2025-07-02.

Conditions:
Hereditary cancer-predisposing syndrome. Also called: Tumor predisposition; Hereditary Cancer Syndrome; Hereditary neoplastic syndrome; Neoplastic Syndromes, Hereditary. Identifiers: Orphanet 140162, MedGen C0027672, MeSH D009386, MONDO:0015356.
Juvenile polyposis syndrome (JPS). Identifiers: Orphanet 2929, MedGen C0345893, MONDO:0017380, OMIM 174900.

Allele frequency attached by ClinVar (database versions not stated): gnomAD exomes below 0.00001.
gnomAD v4.1: 2 of 1,614,204 alleles (0.00012%); highest among the groups gnomAD compares: Non-Finnish European, 0.00017%; no homozygotes.

Submissions (2):

Labcorp Genetics (formerly Invitae), Labcorp
Classification: Uncertain significance for Juvenile polyposis syndrome. Last evaluated: 2025-07-02. Review status: criteria provided, single submitter. Criteria: Invitae Variant Classification Sherloc (09022015). Collection method: clinical testing. Allele origin: germline.
Comment: This sequence change replaces alanine, which is neutral and non-polar, with valine, which is neutral and non-polar, at codon 495 of the BMPR1A protein (p.Ala495Val). This variant is not present in population databases (gnomAD no frequency). This variant has not been reported in the literature in individuals affected with BMPR1A-related conditions. ClinVar contains an entry for this variant (Variation ID: 233680). Invitae Evidence Modeling of protein sequence and biophysical properties (such as structural, functional, and spatial information, amino acid conservation, physicochemical variation, residue mobility, and thermodynamic stability) indicates that this missense variant is not expected to disrupt BMPR1A protein function with a negative predictive value of 80%. In summary, the available evidence is currently insufficient to determine the role of this variant in disease. Therefore, it has been classified as a Variant of Uncertain Significance.

Ambry Genetics
Classification: Uncertain significance for Hereditary cancer-predisposing syndrome. Last evaluated: 2025-06-26. Review status: criteria provided, single submitter. Criteria: Ambry Variant Classification Scheme 2023. Collection method: clinical testing. Allele origin: germline.
Comment: The p.A495V variant (also known as c.1484C>T), located in coding exon 11 of the BMPR1A gene, results from a C to T substitution at nucleotide position 1484. The alanine at codon 495 is replaced by valine, an amino acid with similar properties. This amino acid position is well conserved in available vertebrate species. In addition, the in silico prediction for this alteration is inconclusive. Based on the available evidence, the clinical significance of this variant remains unclear.